The following is an entry in ClinVar:

ClinVar aggregate classification (germline): Uncertain significance (1 of 4 stars; one submission).

Conditions:
Inborn genetic diseases. Identifiers: MedGen C0950123, MeSH D030342.

gnomAD v4.1: 1 of 1,538,080 alleles (0.000065%); highest among the groups gnomAD compares: Non-Finnish European, 0.000087%; no homozygotes.

Submission:

Ambry Genetics
Classification: Uncertain significance for Inborn genetic diseases. Last evaluated: 2025-08-13. Review status: criteria provided, single submitter. Criteria: Ambry Variant Classification Scheme 2023. Collection method: clinical testing. Allele origin: germline.
Comment: The p.N443Y variant (also known as c.1327A>T), located in coding exon 8 of the RUNX1 gene, results from an A to T substitution at nucleotide position 1327. The asparagine at codon 443 is replaced by tyrosine, an amino acid with dissimilar properties. This amino acid position is conserved. In addition, the in silico prediction for this alteration is inconclusive. Based on the available evidence, the clinical significance of this variant remains unclear.

NM_001754.5(RUNX1):c.1327A>T (p.Asn443Tyr)

Gene: RUNX1 (RUNX family transcription factor 1; minus strand). Cytogenetic location: 21q22.12.
Variant type: single nucleotide variant.
Coding change: c.1327A>T on transcript NM_001754.5 (MANE Select); coding-DNA position 1327, A replaced by T.
Protein change: p.Asn443Tyr; replaces asparagine 443 with tyrosine.
Molecular consequence: missense variant.
Genome position (GRCh38, 1-based): chr21:34,792,251, T>A on the plus strand (A>T on the coding strand, the complement: RUNX1 is on the minus strand). VCF-style: chr21-34792251-T-A. GRCh37 (hg19) VCF-style: chr21-36164548-T-A.
Other names: c.1246A>T, p.Asn416Tyr (NM_001001890.3); short protein forms N443Y, N416Y.
Identifiers: ClinVar variation 4158224 (VCV004158224.1).
Genomic context (GRCh38, chr21:34,792,251, plus strand): 5'-GGGAGTTGCTGTGGCTGCCCTCGGCCTCCACCACGTCGCTCTGGTTCGGGAGGCTGGGGT[T>A]GAGCAGCGCGGAGCCGGTGGAGGCGTTGGTGCAGGGCGGCAGGATGCGCGGCGGCGAGCG-3'
Protein context (NP_001745.2, residues 433-453): TNASTGSALL[Asn443Tyr]PSLPNQSDVV